The following is an entry in ClinVar:

NM_000551.4(VHL):c.-59C>A

Gene: VHL (von Hippel-Lindau tumor suppressor; plus strand). Cytogenetic location: 3p25.3.
Variant type: single nucleotide variant.
Coding change: c.-59C>A on transcript NM_000551.4 (MANE Select); 59 bases upstream of the start codon, C replaced by A.
Molecular consequence: 5 prime UTR variant. On other transcripts: non-coding transcript variant (1).
Genome position (GRCh38, 1-based): chr3:10,141,789, C>A. VCF-style: chr3-10141789-C-A. GRCh37 (hg19) VCF-style: chr3-10183473-C-A.
Other names: c.-59C>A (NM_001354723.2, NM_198156.3).
Identifiers: ClinVar variation 4786042 (VCV004786042.1).

ClinVar aggregate classification (germline): Uncertain significance (1 of 4 stars; one submission).

Conditions:
Chuvash polycythemia. Also called: POLYCYTHEMIA, VHL-DEPENDENT. Identifiers: Orphanet 238557, MedGen C1837915, MONDO:0009892, OMIM 263400.
Von Hippel-Lindau syndrome (VHLS). Also called: von Hippel–Lindau syndrome; VHL syndrome; Von Hippel-Lindau. Identifiers: Orphanet 892, MedGen C0019562, MONDO:0008667, OMIM 193300. Disease mechanism: loss of function.

Submission:

Labcorp Genetics (formerly Invitae), Labcorp
Classification: Uncertain significance for Von Hippel-Lindau syndrome; Chuvash polycythemia. Last evaluated: 2025-09-03. Review status: criteria provided, single submitter. Criteria: Invitae Variant Classification Sherloc (09022015). Collection method: clinical testing. Allele origin: germline.
Comment: This variant occurs in a non-coding region of the VHL gene. It does not change the encoded amino acid sequence of the VHL protein. This variant is not present in population databases (gnomAD no frequency). This variant has not been reported in the literature in individuals affected with VHL-related conditions. Experimental studies and prediction algorithms are not available or were not evaluated, and the functional significance of this variant is currently unknown. In summary, the available evidence is currently insufficient to determine the role of this variant in disease. Therefore, it has been classified as a Variant of Uncertain Significance.